The following is an entry in ClinVar:

NM_001734.5(C1S):c.1829A>T (p.Tyr610Phe)

Gene: C1S (complement C1s; plus strand). Cytogenetic location: 12p13.31.
Variant type: single nucleotide variant.
Coding change: c.1829A>T on transcript NM_001734.5 (MANE Select); coding-DNA position 1829, A replaced by T.
Protein change: p.Tyr610Phe; replaces tyrosine 610 with phenylalanine.
Molecular consequence: missense variant.
Genome position (GRCh38, 1-based): chr12:7,070,413, A>T. VCF-style: chr12-7070413-A-T. GRCh37 (hg19) VCF-style: chr12-7177717-A-T.
Other names: c.1829A>T, p.Tyr610Phe (NM_201442.4); c.1328A>T, p.Tyr443Phe (NM_001346850.2); short protein forms Y610F, Y443F.
Identifiers: ClinVar variation 2993304 (VCV002993304.4), dbSNP rs781913096, ClinGen allele CA232457222.

ClinVar aggregate classification (germline): Uncertain significance. Review status: criteria provided, multiple submitters, no conflicts (2 of 4 stars). 2 submissions from 2 submitters: Uncertain significance (2). Last evaluated 2026-05-26.

gnomAD v4.1: 4 of 1,614,256 alleles (0.00025%); highest among the groups gnomAD compares: Non-Finnish European, 0.00034%; no homozygotes.

Submissions (2):

Women's Health and Genetics/Laboratory Corporation of America, LabCorp
Classification: Uncertain significance. Last evaluated: 2026-05-26. Review status: criteria provided, single submitter. Criteria: LabCorp Variant Classification Summary - May 2015. Collection method: clinical testing. Allele origin: germline.
Comment: Variant summary: C1S c.1829A>T (p.Tyr610Phe) results in a conservative amino acid change in the encoded protein sequence. Algorithms developed to predict the effect of missense changes on protein structure and function all suggest that this variant is likely to be tolerated. The variant was absent in 251462 control chromosomes. The available data on variant occurrences in the general population are insufficient to allow any conclusion about variant significance. To our knowledge, no occurrence of c.1829A>T in individuals affected with C1S-related conditions and no experimental evidence demonstrating its impact on protein function have been reported. ClinVar contains an entry for this variant (Variation ID: 2993304). Based on the evidence outlined above, the variant was classified as uncertain significance.

Labcorp Genetics (formerly Invitae), Labcorp
Classification: Uncertain significance. Last evaluated: 2025-11-11. Review status: criteria provided, single submitter. Criteria: Invitae Variant Classification Sherloc (09022015). Collection method: clinical testing. Allele origin: germline.
Comment: This sequence change replaces tyrosine, which is neutral and polar, with phenylalanine, which is neutral and non-polar, at codon 610 of the C1S protein (p.Tyr610Phe). This variant is not present in population databases (gnomAD no frequency). This variant has not been reported in the literature in individuals affected with C1S-related conditions. ClinVar contains an entry for this variant (Variation ID: 2993304). Invitae Evidence Modeling of protein sequence and biophysical properties (such as structural, functional, and spatial information, amino acid conservation, physicochemical variation, residue mobility, and thermodynamic stability) indicates that this missense variant is not expected to disrupt C1S protein function with a negative predictive value of 80%. In summary, the available evidence is currently insufficient to determine the role of this variant in disease. Therefore, it has been classified as a Variant of Uncertain Significance.